The following is an entry in ClinVar:

NM_001256789.3(CACNA1F):c.4052G>A (p.Arg1351Gln)

Gene: CACNA1F (calcium voltage-gated channel subunit alpha1 F; minus strand). Cytogenetic location: Xp11.23.
Variant type: single nucleotide variant.
Coding change: c.4052G>A on transcript NM_001256789.3 (MANE Select); coding-DNA position 4052, G replaced by A.
Protein change: p.Arg1351Gln; replaces arginine 1351 with glutamine.
Molecular consequence: missense variant.
Genome position (GRCh38, 1-based): chrX:49,211,946, C>T on the plus strand (G>A on the coding strand, the complement: CACNA1F is on the minus strand). VCF-style: chrX-49211946-C-T. GRCh37 (hg19) VCF-style: chrX-49068406-C-T.
Other names: c.4085G>A, p.Arg1362Gln (NM_005183.4); c.3890G>A, p.Arg1297Gln (NM_001256790.3); short protein forms R1297Q, R1351Q, R1362Q.
Identifiers: ClinVar variation 1921281 (VCV001921281.5), dbSNP rs375658952, ClinGen allele CA10410277.

ClinVar aggregate classification (germline): Uncertain significance (1 of 4 stars; one submission).

Allele frequency attached by ClinVar (database versions not stated): gnomAD exomes 0.00002; ExAC 0.00005; gnomAD 0.00005; TOPMed 0.00005; ESP Exome Variant Server 0.00019.
gnomAD v4.1: 34 of 1,209,682 alleles (0.0028%); highest among the groups gnomAD compares: Admixed American, 0.0044%; no homozygotes.

Submission:

Labcorp Genetics (formerly Invitae), Labcorp
Classification: Uncertain significance. Last evaluated: 2024-01-18. Review status: criteria provided, single submitter. Criteria: Invitae Variant Classification Sherloc (09022015). Collection method: clinical testing. Allele origin: germline.
Comment: This sequence change replaces arginine, which is basic and polar, with glutamine, which is neutral and polar, at codon 1362 of the CACNA1F protein (p.Arg1362Gln). This variant is present in population databases (rs375658952, gnomAD 0.007%). This variant has not been reported in the literature in individuals affected with CACNA1F-related conditions. ClinVar contains an entry for this variant (Variation ID: 1921281). Advanced modeling of protein sequence and biophysical properties (such as structural, functional, and spatial information, amino acid conservation, physicochemical variation, residue mobility, and thermodynamic stability) performed at Invitae indicates that this missense variant is not expected to disrupt CACNA1F protein function with a negative predictive value of 80%. In summary, the available evidence is currently insufficient to determine the role of this variant in disease. Therefore, it has been classified as a Variant of Uncertain Significance.